The following is an entry in ClinVar:

NM_001018116.2(CAVIN4):c.138T>G (p.Ser46Arg)

Gene: CAVIN4 (caveolae associated protein 4; plus strand). Cytogenetic location: 9q31.1.
Variant type: single nucleotide variant.
Coding change: c.138T>G on transcript NM_001018116.2 (MANE Select); coding-DNA position 138, T replaced by G.
Protein change: p.Ser46Arg; replaces serine 46 with arginine.
Molecular consequence: missense variant.
Genome position (GRCh38, 1-based): chr9:100,578,281, T>G. VCF-style: chr9-100578281-T-G. GRCh37 (hg19) VCF-style: chr9-103340563-T-G.
Other names: short protein forms S46R.
Identifiers: ClinVar variation 2444731 (VCV002444731.2), dbSNP rs768100531, ClinGen allele CA374249746.

ClinVar aggregate classification (germline): Uncertain significance (1 of 4 stars; one submission).

Submission:

GeneDx
Classification: Uncertain significance. Last evaluated: 2024-06-13. Review status: criteria provided, single submitter. Criteria: GeneDx Variant Classification Process June 2021. Collection method: clinical testing. Allele origin: germline.
Comment: Not observed at significant frequency in large population cohorts (gnomAD); In silico analysis indicates that this missense variant does not alter protein structure/function; Has not been previously published as pathogenic or benign to our knowledge; Variants in candidate genes are classified as variants of uncertain significance in accordance with ACMG guidelines (PMID: 25741868)